The following is an entry in ClinVar:

ClinVar aggregate classification (germline): Uncertain significance. Review status: criteria provided, multiple submitters, no conflicts (2 of 4 stars). 5 submissions from 4 submitters: Uncertain significance (5). Last evaluated 2025-06-24.

Conditions:
LAMB2-related infantile-onset nephrotic syndrome. Also called: NEPHROTIC SYNDROME, TYPE 5, WITHOUT OCULAR ABNORMALITIES; NEPHROTIC SYNDROME, TYPE 5, WITH OCULAR ABNORMALITIES; Nephrotic Syndrome, type 5. Identifiers: Orphanet 306507, MedGen C3280113, MONDO:0013621, OMIM 614199.
Pierson syndrome. Also called: MICROCORIA-CONGENITAL NEPHROTIC SYNDROME. Identifiers: Orphanet 2670, MedGen C1836876, MONDO:0012184, OMIM 609049.
Inborn genetic diseases. Identifiers: MedGen C0950123, MeSH D030342.

Allele frequency attached by ClinVar (database versions not stated): gnomAD exomes 0.00001 and 0.00002; ExAC 0.00002; gnomAD 0.00002; TOPMed 0.00002.

Submissions (5):

Ambry Genetics
Classification: Uncertain significance for Inborn genetic diseases. Last evaluated: 2025-06-24. Review status: criteria provided, single submitter. Criteria: Ambry Variant Classification Scheme 2023. Collection method: clinical testing. Allele origin: germline.

Labcorp Genetics (formerly Invitae), Labcorp
Classification: Uncertain significance for LAMB2-related infantile-onset nephrotic syndrome; Pierson syndrome. Last evaluated: 2024-02-05. Review status: criteria provided, single submitter. Criteria: Invitae Variant Classification Sherloc (09022015). Collection method: clinical testing. Allele origin: germline.
Comment: This sequence change replaces threonine, which is neutral and polar, with proline, which is neutral and non-polar, at codon 1039 of the LAMB2 protein (p.Thr1039Pro). This variant is present in population databases (rs747604203, gnomAD 0.004%). This variant has not been reported in the literature in individuals affected with LAMB2-related conditions. ClinVar contains an entry for this variant (Variation ID: 345991). An algorithm developed to predict the effect of missense changes on protein structure and function (PolyPhen-2) suggests that this variant is likely to be disruptive. In summary, the available evidence is currently insufficient to determine the role of this variant in disease. Therefore, it has been classified as a Variant of Uncertain Significance.

Illumina Laboratory Services, Illumina
Classification: Uncertain significance for LAMB2-related infantile-onset nephrotic syndrome. Last evaluated: 2018-01-13. Review status: criteria provided, single submitter. Criteria: ICSL Variant Classification Criteria 13 December 2019. Collection method: clinical testing. Allele origin: germline.

Illumina Laboratory Services, Illumina
Classification: Uncertain significance for Pierson syndrome. Last evaluated: 2018-01-13. Review status: criteria provided, single submitter. Criteria: ICSL Variant Classification Criteria 13 December 2019. Collection method: clinical testing. Allele origin: germline.

Breakthrough Genomics
Classification: Uncertain significance. Review status: criteria provided, single submitter. Criteria: ACMG Guidelines, 2015. Collection method: not provided. Allele origin: germline. Inheritance: Autosomal recessive inheritance. Affected: yes.

NM_002292.4(LAMB2):c.3115A>C (p.Thr1039Pro)

Gene: LAMB2 (laminin subunit beta 2; minus strand). Cytogenetic location: 3p21.31.
Variant type: single nucleotide variant.
Coding change: c.3115A>C on transcript NM_002292.4 (MANE Select); coding-DNA position 3115, A replaced by C.
Protein change: p.Thr1039Pro; replaces threonine 1039 with proline.
Molecular consequence: missense variant.
Genome position (GRCh38, 1-based): chr3:49,124,607, T>G on the plus strand (A>C on the coding strand, the complement: LAMB2 is on the minus strand). VCF-style: chr3-49124607-T-G. GRCh37 (hg19) VCF-style: chr3-49162040-T-G.
Other names: short protein forms T1039P.
Identifiers: ClinVar variation 345991 (VCV000345991.10), dbSNP rs747604203, ClinGen allele CA2394116.